The following is an entry in ClinVar:

NM_001302084.2(TOP6BL):c.-30+5T>C

Gene: TOP6BL (TOP6B like initiator of meiotic double strand breaks; plus strand). Cytogenetic location: 11q13.2.
Variant type: single nucleotide variant.
Coding change: c.-30+5T>C on transcript NM_001302084.2 (MANE Select); 5 bases into the intron after 30 bases upstream of the start codon, T replaced by C.
Molecular consequence: intron variant.
Genome position (GRCh38, 1-based): chr11:66,744,924, T>C. VCF-style: chr11-66744924-T-C. GRCh37 (hg19) VCF-style: chr11-66512395-T-C.
Other names: c.30+5T>C (NM_024650.4).
Identifiers: ClinVar variation 3055893 (VCV003055893.2), dbSNP rs574408551, ClinGen allele CA6129813.

ClinVar aggregate classification (germline): Likely benign (0 of 4 stars; one submission).

Conditions:
TOP6BL-related disorder. Also called: TOP6BL-related condition.

Allele frequency attached by ClinVar (database versions not stated): 1000 Genomes Project 0.00479; 1000 Genomes Project 30x 0.00547; TOPMed 0.00600; gnomAD 0.00743; gnomAD exomes 0.01035; ExAC 0.01047.
gnomAD v4.1: 12,417 of 1,254,476 alleles (0.99%); highest among the groups gnomAD compares: South Asian, 2%; 78 homozygotes.

Submission:

PreventionGenetics, part of Exact Sciences
Classification: Likely benign for TOP6BL-related condition. Last evaluated: 2019-02-20. Review status: no assertion criteria provided. Collection method: clinical testing. Allele origin: germline.
Comment: This variant is classified as likely benign based on ACMG/AMP sequence variant interpretation guidelines (Richards et al. 2015 PMID: 25741868, with internal and published modifications).